The following is an entry in ClinVar:

ClinVar aggregate classification (germline): Uncertain significance (1 of 4 stars; one submission).

Conditions:
Hypertrophic cardiomyopathy 14. Identifiers: MedGen C2750467, MONDO:0013197, OMIM 613251.

Submission:

Labcorp Genetics (formerly Invitae), Labcorp
Classification: Uncertain significance for Hypertrophic cardiomyopathy 14. Last evaluated: 2019-04-09. Review status: criteria provided, single submitter. Criteria: Invitae Variant Classification Sherloc (09022015). Collection method: clinical testing. Allele origin: germline.
Comment: This sequence change replaces isoleucine with valine at codon 753 of the MYH6 protein (p.Ile753Val). The isoleucine residue is weakly conserved and there is a small physicochemical difference between isoleucine and valine. This variant is not present in population databases (ExAC no frequency). This variant has not been reported in the literature in individuals with MYH6-related conditions. Algorithms developed to predict the effect of missense changes on protein structure and function (SIFT, PolyPhen-2, Align-GVGD) all suggest that this variant is likely to be tolerated, but these predictions have not been confirmed by published functional studies and their clinical significance is uncertain. In summary, the available evidence is currently insufficient to determine the role of this variant in disease. Therefore, it has been classified as a Variant of Uncertain Significance.

NM_002471.4(MYH6):c.2257A>G (p.Ile753Val)

Gene: MYH6 (myosin heavy chain 6; minus strand). Cytogenetic location: 14q11.2.
Variant type: single nucleotide variant.
Coding change: c.2257A>G on transcript NM_002471.4 (MANE Select); coding-DNA position 2257, A replaced by G.
Protein change: p.Ile753Val; replaces isoleucine 753 with valine.
Molecular consequence: missense variant.
Genome position (GRCh38, 1-based): chr14:23,396,729, T>C on the plus strand (A>G on the coding strand, the complement: MYH6 is on the minus strand). VCF-style: chr14-23396729-T-C. GRCh37 (hg19) VCF-style: chr14-23865938-T-C.
Other names: short protein forms I753V.
Identifiers: ClinVar variation 846908 (VCV000846908.9), dbSNP rs1891407295, ClinGen allele CA389016824.